The following is an entry in ClinVar:

ClinVar aggregate classification (germline): Uncertain significance (1 of 4 stars; one submission).

Submission:

Labcorp Genetics (formerly Invitae), Labcorp
Classification: Uncertain significance. Last evaluated: 2021-11-13. Review status: criteria provided, single submitter. Criteria: Invitae Variant Classification Sherloc (09022015). Collection method: clinical testing. Allele origin: germline.
Comment: In summary, the available evidence is currently insufficient to determine the role of this variant in disease. Therefore, it has been classified as a Variant of Uncertain Significance. Algorithms developed to predict the effect of missense changes on protein structure and function are either unavailable or do not agree on the potential impact of this missense change (SIFT: "Not Available"; PolyPhen-2: "Possibly Damaging"; Align-GVGD: "Not Available"). This variant has not been reported in the literature in individuals affected with GZF1-related conditions. This variant is not present in population databases (gnomAD no frequency). This sequence change replaces tyrosine, which is neutral and polar, with aspartic acid, which is acidic and polar, at codon 480 of the GZF1 protein (p.Tyr480Asp).

NM_022482.5(GZF1):c.1438T>G (p.Tyr480Asp)

Gene: GZF1 (GDNF inducible zinc finger protein 1; plus strand). Cytogenetic location: 20p11.21.
Variant type: single nucleotide variant.
Coding change: c.1438T>G on transcript NM_022482.5 (MANE Select); coding-DNA position 1438, T replaced by G.
Protein change: p.Tyr480Asp; replaces tyrosine 480 with aspartic acid.
Molecular consequence: missense variant.
Genome position (GRCh38, 1-based): chr20:23,367,076, T>G. VCF-style: chr20-23367076-T-G. GRCh37 (hg19) VCF-style: chr20-23347713-T-G.
Other names: c.1438T>G, p.Tyr480Asp (NM_001317012.2, NM_001317019.1); short protein forms Y480D.
Identifiers: ClinVar variation 1393148 (VCV001393148.4), dbSNP rs1024225613, ClinGen allele CA408411807.